The following is an entry in ClinVar:

ClinVar aggregate classification (germline): Uncertain significance. Review status: criteria provided, multiple submitters, no conflicts (2 of 4 stars). 3 submissions from 3 submitters: Uncertain significance (3). Last evaluated 2022-09-29.

Conditions:
Marinesco-Sjögren syndrome (MSS). Also called: Marinesco-SjÃ¶gren syndrome; Marinesco-Sjogren Syndrome. Identifiers: Orphanet 559, MedGen C0024814, MONDO:0009567, OMIM 248800.

Allele frequency attached by ClinVar (database versions not stated): TOPMed 0.00002; ESP Exome Variant Server 0.00008.
gnomAD v4.1: 43 of 1,613,170 alleles (0.0027%); highest among the groups gnomAD compares: Admixed American, 0.0067%; no homozygotes.

Submissions (3):

Labcorp Genetics (formerly Invitae), Labcorp
Classification: Uncertain significance for Marinesco-Sjögren syndrome. Last evaluated: 2022-09-29. Review status: criteria provided, single submitter. Criteria: Invitae Variant Classification Sherloc (09022015). Collection method: clinical testing. Allele origin: germline.
Comment: This sequence change replaces alanine, which is neutral and non-polar, with threonine, which is neutral and polar, at codon 346 of the SIL1 protein (p.Ala346Thr). The frequency data for this variant in the population databases is considered unreliable, as metrics indicate poor data quality at this position in the gnomAD database. This variant has not been reported in the literature in individuals affected with SIL1-related conditions. ClinVar contains an entry for this variant (Variation ID: 805454). Advanced modeling of protein sequence and biophysical properties (such as structural, functional, and spatial information, amino acid conservation, physicochemical variation, residue mobility, and thermodynamic stability) performed at Invitae indicates that this missense variant is not expected to disrupt SIL1 protein function. In summary, the available evidence is currently insufficient to determine the role of this variant in disease. Therefore, it has been classified as a Variant of Uncertain Significance.

Revvity Omics, Revvity
Classification: Uncertain significance for Marinesco-Sjögren syndrome. Last evaluated: 2022-09-02. Review status: criteria provided, single submitter. Criteria: ACMG Guidelines, 2015. Collection method: clinical testing. Allele origin: germline.

Athena Diagnostics
Classification: Uncertain significance. Last evaluated: 2019-03-28. Review status: criteria provided, single submitter. Criteria: Athena Diagnostics Criteria. Collection method: clinical testing. Allele origin: germline.

NM_022464.5(SIL1):c.1036G>A (p.Ala346Thr)

Gene: SIL1 (SIL1 nucleotide exchange factor; minus strand). Cytogenetic location: 5q31.2.
Variant type: single nucleotide variant.
Coding change: c.1036G>A on transcript NM_022464.5 (MANE Select); coding-DNA position 1036, G replaced by A.
Protein change: p.Ala346Thr; replaces alanine 346 with threonine.
Molecular consequence: missense variant.
Genome position (GRCh38, 1-based): chr5:138,947,467, C>T on the plus strand (G>A on the coding strand, the complement: SIL1 is on the minus strand). VCF-style: chr5-138947467-C-T. GRCh37 (hg19) VCF-style: chr5-138283156-C-T.
Other names: c.1036G>A, p.Ala346Thr (NM_001037633.2); short protein forms A346T.
Identifiers: ClinVar variation 805454 (VCV000805454.6), dbSNP rs377150029, ClinGen allele CA3432377.